The following is an entry in ClinVar:

NM_001394062.1(MACF1):c.1753_1774del (p.Tyr585fs)

Gene: MACF1 (microtubule actin crosslinking factor 1; plus strand). Cytogenetic location: 1p34.3.
Variant type: Deletion.
Coding change: c.1753_1774del on transcript NM_001394062.1 (MANE Select); coding-DNA positions 1753 to 1774, 22 bases deleted (TATGAACTACTGTCTTGGGTAG).
Protein change: p.Tyr585fs; shifts the reading frame from tyrosine 585.
Molecular consequence: frameshift variant.
Genome position (GRCh38, 1-based): chr1:39,287,530-39,287,551, TATGAACTACTGTCTTGGGTAG deleted; deleting any 22 consecutive bases within chr1:39,287,529-39,287,551 gives the same sequence; the c. name uses the placement nearest the transcript's 3' end. VCF-style (leftmost placement, unchanged base first): chr1-39287528-TGTATGAACTACTGTCTTGGGTA-T. GRCh37 (hg19) VCF-style: chr1-39753200-TGTATGAACTACTGTCTTGGGTA-T.
Other names: c.1768_1789del, p.Tyr590fs (NM_012090.5); short protein forms Y590fs, Y585fs.
Identifiers: ClinVar variation 4795470 (VCV004795470.1).

ClinVar aggregate classification (germline): Uncertain significance (1 of 4 stars; one submission).

Submission:

GeneDx
Classification: Uncertain significance. Last evaluated: 2025-08-11. Review status: criteria provided, single submitter. Criteria: GeneDx Variant Classification Process June 2021. Collection method: clinical testing. Allele origin: germline. Affected: yes.
Comment: Not observed at significant frequency in large population cohorts (gnomAD); Frameshift variant predicted to result in protein truncation or nonsense mediated decay in a gene for which loss-of-function is not an established mechanism of disease; Has not been previously published as pathogenic or benign to our knowledge